The following is an entry in ClinVar:

ClinVar aggregate classification (germline): Conflicting classifications of pathogenicity. Review status: criteria provided, conflicting classifications (1 of 4 stars). 4 submissions from 4 submitters: Uncertain significance (3); Likely benign (1). Last evaluated 2026-01-28.

Conditions:
Hypokalemic periodic paralysis, type 1. Also called: Hypokalemic Periodic Paralysis Type 1 (AD); HypoPP. Identifiers: Orphanet 681, MedGen C3714580, MONDO:0042979, OMIM 170400.
Malignant hyperthermia, susceptibility to, 5 (MHS5). Also called: CACNA1S-Related Malignant Hyperthermia Susceptibility. Identifiers: Orphanet 423, MedGen C1866077, MONDO:0011163, OMIM 601887.
Inborn genetic diseases. Identifiers: MedGen C0950123, MeSH D030342.

Allele frequency attached by ClinVar (database versions not stated): ExAC 0.00002; gnomAD exomes 0.00002; gnomAD 0.00004 and 0.00005; TOPMed 0.00004.

Submissions (4):

Labcorp Genetics (formerly Invitae), Labcorp
Classification: Likely benign for Hypokalemic periodic paralysis, type 1; Malignant hyperthermia, susceptibility to, 5. Last evaluated: 2026-01-28. Review status: criteria provided, single submitter. Criteria: Invitae Variant Classification Sherloc (09022015). Collection method: clinical testing. Allele origin: germline.

Color Diagnostics, LLC DBA Color Health
Classification: Uncertain significance for Malignant hyperthermia, susceptibility to, 5. Last evaluated: 2025-11-17. Review status: criteria provided, single submitter. Criteria: ACMG Guidelines, 2015. Collection method: clinical testing. Allele origin: germline.
Comment: This missense variant replaces valine with isoleucine at codon 207 of the CACNA1S protein. Computational prediction suggests that this variant may not impact protein structure and function. To our knowledge, functional studies have not been reported for this variant. This variant has not been reported in individuals affected with CACNA1S-related disorders in the literature. This variant has been identified in 5/282826 chromosomes in the general population by the Genome Aggregation Database (gnomAD). The available evidence is insufficient to determine the role of this variant in disease conclusively. Therefore, this variant is classified as a Variant of Uncertain Significance.

Ambry Genetics
Classification: Uncertain significance for Inborn genetic diseases. Last evaluated: 2025-08-14. Review status: criteria provided, single submitter. Criteria: Ambry Variant Classification Scheme 2023. Collection method: clinical testing. Allele origin: germline.

GeneDx
Classification: Uncertain significance. Last evaluated: 2016-01-26. Review status: criteria provided, single submitter. Criteria: GeneDx Variant Classification (06012015). Collection method: clinical testing. Allele origin: germline. Affected: yes.
Comment: A variant of uncertain significance has been identified in the CACNA1S gene. The V207I variant has not been published as a pathogenic variant, nor has it been reported as a benign variant to our knowledge. It was not observed in approximately 6,500 individuals of European and African American ancestry in the NHLBI Exome Sequencing Project, indicating it is not a common benign variant in these populations. The V207I variant is a conservative amino acid substitution, which is not likely to impact secondary protein structure as these residues share similar properties. Additionally, this substitution occurs at a position where amino acids with similar properties to Valine are tolerated across species, and in silico analysis predicts this variant likely does not alter the protein structure/function. Furthermore, missense variants in nearby residues have not been reported in the Human Gene Mutation Database in association with CACNA1S-related disorders (Stenson et al., 2014). Therefore, based on the currently available information, it is unclear whether this variant is a pathogenic variant or a rare benign variant.

NM_000069.3(CACNA1S):c.619G>A (p.Val207Ile)

Gene: CACNA1S (calcium voltage-gated channel subunit alpha1 S; minus strand). Cytogenetic location: 1q32.1.
Variant type: single nucleotide variant.
Coding change: c.619G>A on transcript NM_000069.3 (MANE Select); coding-DNA position 619, G replaced by A.
Protein change: p.Val207Ile; replaces valine 207 with isoleucine.
Molecular consequence: missense variant.
Genome position (GRCh38, 1-based): chr1:201,091,715, C>T on the plus strand (G>A on the coding strand, the complement: CACNA1S is on the minus strand). VCF-style: chr1-201091715-C-T. GRCh37 (hg19) VCF-style: chr1-201060843-C-T.
Other names: short protein forms V207I.
Identifiers: ClinVar variation 420411 (VCV000420411.13), dbSNP rs767571919, ClinGen allele CA083926.
Genomic context (GRCh38, chr1:201,091,715, plus strand): 5'-AGCAGGTCTTGTGCATCTTGCCCTTGAAGAGCTCCAGCCCGATGATGGCATAGATGATGA[C>T]CATAAAGAGGACCAGCAGGGCGATGTGAAAGAGGGGGAGCATGGCCTTGAAGATGGAGTT-3'
Protein context (NP_000060.2, residues 197-217): FHIALLVLFM[Val207Ile]IIYAIIGLEL